The following is an entry in ClinVar:

ClinVar aggregate classification (germline): Uncertain significance. Review status: criteria provided, multiple submitters, no conflicts (2 of 4 stars). 2 submissions from 2 submitters: Uncertain significance (2). Last evaluated 2025-05-06.

Conditions:
Inborn genetic diseases. Identifiers: MedGen C0950123, MeSH D030342.

Allele frequency attached by ClinVar (database versions not stated): gnomAD 0.00003; TOPMed 0.00005.

Submissions (2):

Ambry Genetics
Classification: Uncertain significance for Inborn genetic diseases. Last evaluated: 2025-05-06. Review status: criteria provided, single submitter. Criteria: Ambry Variant Classification Scheme 2023. Collection method: clinical testing. Allele origin: germline.

Labcorp Genetics (formerly Invitae), Labcorp
Classification: Uncertain significance. Last evaluated: 2024-02-24. Review status: criteria provided, single submitter. Criteria: Invitae Variant Classification Sherloc (09022015). Collection method: clinical testing. Allele origin: germline.
Comment: This sequence change replaces methionine, which is neutral and non-polar, with arginine, which is basic and polar, at codon 251 of the TSEN54 protein (p.Met251Arg). This variant is present in population databases (no rsID available, gnomAD 0.01%). This variant has not been reported in the literature in individuals affected with TSEN54-related conditions. ClinVar contains an entry for this variant (Variation ID: 1980124). Advanced modeling of protein sequence and biophysical properties (such as structural, functional, and spatial information, amino acid conservation, physicochemical variation, residue mobility, and thermodynamic stability) performed at Invitae indicates that this missense variant is not expected to disrupt TSEN54 protein function with a negative predictive value of 80%. In summary, the available evidence is currently insufficient to determine the role of this variant in disease. Therefore, it has been classified as a Variant of Uncertain Significance.

NM_207346.3(TSEN54):c.752T>G (p.Met251Arg)

Gene: TSEN54 (tRNA splicing endonuclease subunit 54; plus strand). Cytogenetic location: 17q25.1.
Variant type: single nucleotide variant.
Coding change: c.752T>G on transcript NM_207346.3 (MANE Select); coding-DNA position 752, T replaced by G.
Protein change: p.Met251Arg; replaces methionine 251 with arginine.
Molecular consequence: missense variant.
Genome position (GRCh38, 1-based): chr17:75,521,833, T>G. VCF-style: chr17-75521833-T-G. GRCh37 (hg19) VCF-style: chr17-73517914-T-G.
Other names: c.752T>G (NM_207346.2); short protein forms M251R.
Identifiers: ClinVar variation 1980124 (VCV001980124.4), dbSNP rs984323039, ClinGen allele CA294078918.